The following is an entry in ClinVar:

ClinVar aggregate classification (germline): Uncertain significance (1 of 4 stars; one submission).

Conditions:
Neurofibromatosis, type 1 (NF1). Also called: NEUROFIBROMATOSIS, TYPE I, SOMATIC; VON RECKLINGHAUSEN DISEASE; Neurofibromatosis, type I; Peripheral type neurofibromatosis. Identifiers: Orphanet 636, MedGen C0027831, MONDO:0018975, OMIM 162200. Disease mechanism: loss of function.

Submission:

Labcorp Genetics (formerly Invitae), Labcorp
Classification: Uncertain significance for Neurofibromatosis, type 1. Last evaluated: 2020-12-31. Review status: criteria provided, single submitter. Criteria: Invitae Variant Classification Sherloc (09022015). Collection method: clinical testing. Allele origin: germline.
Comment: In summary, the available evidence is currently insufficient to determine the role of this variant in disease. Therefore, it has been classified as a Variant of Uncertain Significance. Advanced modeling of protein sequence and biophysical properties (such as structural, functional, and spatial information, amino acid conservation, physicochemical variation, residue mobility, and thermodynamic stability) performed at Invitae indicates that this missense variant is not expected to disrupt NF1 protein function. This variant has not been reported in the literature in individuals with NF1-related conditions. This variant is not present in population databases (ExAC no frequency). This sequence change replaces glutamine with histidine at codon 543 of the NF1 protein (p.Gln543His). The glutamine residue is moderately conserved and there is a small physicochemical difference between glutamine and histidine.

NM_001042492.3(NF1):c.1629G>C (p.Gln543His)

Gene: NF1 (neurofibromin 1; plus strand). Cytogenetic location: 17q11.2.
Variant type: single nucleotide variant.
Coding change: c.1629G>C on transcript NM_001042492.3 (MANE Select); coding-DNA position 1629, G replaced by C.
Protein change: p.Gln543His; replaces glutamine 543 with histidine.
Molecular consequence: missense variant.
Genome position (GRCh38, 1-based): chr17:31,219,106, G>C. VCF-style: chr17-31219106-G-C. GRCh37 (hg19) VCF-style: chr17-29546124-G-C.
Other names: c.1629G>C, p.Gln543His (NM_000267.4, NM_001128147.3); short protein forms Q543H.
Identifiers: ClinVar variation 1361793 (VCV001361793.8), dbSNP rs2143987265, ClinGen allele CA399002116.